The following is an entry in ClinVar:

ClinVar aggregate classification (germline): Likely benign (0 of 4 stars; one submission).

Conditions:
ADGRL2-related disorder. Also called: ADGRL2-related condition.

Allele frequency attached by ClinVar (database versions not stated): ESP Exome Variant Server 0.00108; 1000 Genomes Project 30x 0.00109; 1000 Genomes Project 0.00120.
gnomAD v4.1: 1,916 of 1,613,644 alleles (0.12%); highest among the groups gnomAD compares: Middle Eastern, 0.3%; 3 homozygotes.

Submissions (5):

PreventionGenetics, part of Exact Sciences
Classification: Likely benign for ADGRL2-related condition. Last evaluated: 2019-08-28. Review status: no assertion criteria provided. Collection method: clinical testing. Allele origin: germline.
Comment: This variant is classified as likely benign based on ACMG/AMP sequence variant interpretation guidelines (Richards et al. 2015 PMID: 25741868, with internal and published modifications).

Dr. Peter K. Rogan Lab, Western University
No classification provided (evidence only). Condition: Colon adenocarcinoma. Review status: no classification provided. Collection method: in vitro. Allele origin: not applicable. Functional consequence: retained intron. Not counted in ClinVar's aggregate classification.

Dr. Peter K. Rogan Lab, Western University
No classification provided (evidence only). Condition: Sarcoma. Review status: no classification provided. Collection method: in vitro. Allele origin: not applicable. Functional consequence: retained intron. Not counted in ClinVar's aggregate classification.

Dr. Peter K. Rogan Lab, Western University
No classification provided (evidence only). Condition: Cholangiocarcinoma. Review status: no classification provided. Collection method: in vitro. Allele origin: not applicable. Functional consequence: retained intron. Not counted in ClinVar's aggregate classification.

Dr. Peter K. Rogan Lab, Western University
No classification provided (evidence only). Condition: Gastric cancer. Review status: no classification provided. Collection method: in vitro. Allele origin: not applicable. Functional consequence: retained intron. Not counted in ClinVar's aggregate classification.

NM_001366006.2(ADGRL2):c.2240G>T (p.Arg747Leu)

Gene: ADGRL2 (adhesion G protein-coupled receptor L2; plus strand). Cytogenetic location: 1p31.1.
Variant type: single nucleotide variant.
Coding change: c.2240G>T on transcript NM_001366006.2 (MANE Select); coding-DNA position 2240, G replaced by T.
Protein change: p.Arg747Leu; replaces arginine 747 with leucine.
Molecular consequence: missense variant. On other transcripts: non-coding transcript variant (1).
Genome position (GRCh38, 1-based): chr1:81,966,500, G>T. VCF-style: chr1-81966500-G-T. GRCh37 (hg19) VCF-style: chr1-82432184-G-T.
Other names: NC_000001.10:g.82432184G>T; c.2189G>T, p.Arg730Leu (NM_001297704.3, NM_001297705.3, NM_001297706.3 and 7 more transcripts); c.2228G>T, p.Arg743Leu (NM_001330645.3, NM_001366009.2, NM_001393350.1); c.2240G>T, p.Arg747Leu (NM_001350698.2, NM_001366003.2, NM_001366004.2 and 4 more transcripts); short protein forms R730L, R743L, R747L.
Identifiers: ClinVar variation 3053105 (VCV003053105.3), dbSNP rs141656433, ClinGen allele CA922667.